The following is an entry in ClinVar:

NM_016553.5(NUP62):c.802_804del (p.Ser268del)

Genes: IL4I1 (interleukin 4 induced 1; minus strand), NUP62 (nucleoporin 62; minus strand). Cytogenetic location: 19q13.33.
Variant type: Deletion.
Coding change: c.802_804del on transcript NM_016553.5 (MANE Select); coding-DNA positions 802 to 804, 3 bases deleted (TCC; older notation c.802_804delTCC).
Protein change: p.Ser268del; deletes serine 268.
Molecular consequence: inframe deletion. On other transcripts: intron variant (3).
Genome position (GRCh38, 1-based): chr19:49,909,004-49,909,006, GGA deleted on the plus strand (TCC on the coding strand, the reverse complement: NUP62 is on the minus strand); deleting any 3 consecutive bases within chr19:49,909,004-49,909,008 gives the same sequence; the c. name uses the placement nearest the transcript's 3' end. VCF-style (leftmost placement, unchanged base first): chr19-49909003-TGGA-T. GRCh37 (hg19) VCF-style: chr19-50412260-TGGA-T.
Other names: c.802_804del, p.Ser268del (NM_001193357.2, NM_012346.5, NM_153718.4 and 1 more transcripts); c.-227-4685_-227-4683del (NM_001258017.2, NM_172374.3); c.-285-4685_-285-4683del (NM_001258018.2); short protein forms S268del.
Identifiers: ClinVar variation 2195180 (VCV002195180.3), dbSNP rs766810143, ClinGen allele CA9589044.
Genomic context (GRCh38, chr19:49,909,003, plus strand): 5'-CGGTGGTGCTGCTGCTGCTGGTGGTGGTGGCGGTGGCGGTGGCAGCGGTGGATGTTGTTG[TGGA>T]GGTGCCGGAAGCTGCTCCAGGTGCCTTTAAGCTGAAGCCCTGTGTCCCAGCAGTGGGGGC-3'

ClinVar aggregate classification (germline): Uncertain significance (1 of 4 stars; one submission).

Submission:

Labcorp Genetics (formerly Invitae), Labcorp
Classification: Uncertain significance. Last evaluated: 2022-04-28. Review status: criteria provided, single submitter. Criteria: Invitae Variant Classification Sherloc (09022015). Collection method: clinical testing. Allele origin: germline.
Comment: In summary, the available evidence is currently insufficient to determine the role of this variant in disease. Therefore, it has been classified as a Variant of Uncertain Significance. Experimental studies and prediction algorithms are not available or were not evaluated, and the functional significance of this variant is currently unknown. This variant has not been reported in the literature in individuals affected with NUP62-related conditions. This variant is present in population databases (rs766810143, gnomAD 0.007%). This variant, c.802_804del, results in the deletion of 1 amino acid(s) of the NUP62 protein (p.Ser268del), but otherwise preserves the integrity of the reading frame.